The following is an entry in ClinVar:

ClinVar aggregate classification (germline): Benign. Review status: criteria provided, multiple submitters, no conflicts (2 of 4 stars). 4 submissions from 4 submitters: Benign (3). 1 of the submissions does not count toward it. Last evaluated 2021-07-14.

Conditions:
Microcephaly 3, primary, autosomal recessive. Identifiers: Orphanet 2512, MedGen C1858108, MONDO:0011488, OMIM 604804.

Allele frequency attached by ClinVar (database versions not stated): ESP Exome Variant Server 0.69760; ExAC 0.71258; gnomAD 0.71354; TOPMed 0.71509; gnomAD exomes 0.71739; 1000 Genomes Project 0.73423; 1000 Genomes Project 30x 0.73423.
gnomAD v4.1: 1,116,212 of 1,603,718 alleles (70%); highest among the groups gnomAD compares: East Asian, 79%; 389,918 homozygotes.

Submissions (4):

Genome-Nilou Lab
Classification: Benign for Microcephaly 3, primary, autosomal recessive. Last evaluated: 2021-07-14. Review status: criteria provided, single submitter. Criteria: ACMG Guidelines, 2015. Collection method: clinical testing. Allele origin: germline. Affected: no.

GeneDx
Classification: Benign. Last evaluated: 2018-06-16. Review status: criteria provided, single submitter. Criteria: GeneDx Variant Classification (06012015). Collection method: clinical testing. Allele origin: germline. Affected: yes.
Comment: This variant is considered likely benign or benign based on one or more of the following criteria: it is a conservative change, it occurs at a poorly conserved position in the protein, it is predicted to be benign by multiple in silico algorithms, and/or has population frequency not consistent with disease.

Breakthrough Genomics
Classification: Benign. Review status: criteria provided, single submitter. Criteria: ACMG Guidelines, 2015. Collection method: not provided. Allele origin: germline. Inheritance: Autosomal recessive inheritance. Affected: yes.

Genetic Services Laboratory, University of Chicago
Classification: Likely benign. Review status: no assertion criteria provided. Collection method: clinical testing. Allele origin: germline. Inheritance: Autosomal recessive inheritance. Not counted in ClinVar's aggregate classification.
Comment: Likely benign based on allele frequency in 1000 Genomes Project or ESP global frequency and its presence in a patient with a rare or unrelated disease phenotype. NOT Sanger confirmed

NM_018249.6(CDK5RAP2):c.5579-34G>C

Gene: CDK5RAP2 (CDK5 regulatory subunit associated protein 2; minus strand). Cytogenetic location: 9q33.2.
Variant type: single nucleotide variant.
Coding change: c.5579-34G>C on transcript NM_018249.6 (MANE Select); 34 bases into the intron before coding-DNA position 5579, G replaced by C.
Molecular consequence: intron variant.
Genome position (GRCh38, 1-based): chr9:120,389,821, C>G on the plus strand (G>C on the coding strand, the complement: CDK5RAP2 is on the minus strand). VCF-style: chr9-120389821-C-G. GRCh37 (hg19) VCF-style: chr9-123152099-C-G.
Other names: c.4889-34G>C (NM_001272039.2); c.5342-34G>C (NM_001011649.3).
Identifiers: ClinVar variation 158168 (VCV000158168.10), dbSNP rs2297457, ClinGen allele CA171597.